The following is an entry in ClinVar:

ClinVar aggregate classification (germline): Uncertain significance. Review status: criteria provided, multiple submitters, no conflicts (2 of 4 stars). 2 submissions from 2 submitters: Uncertain significance (2). Last evaluated 2024-12-31.

Conditions:
Inborn genetic diseases. Identifiers: MedGen C0950123, MeSH D030342.
Hereditary spastic paraplegia 49 (HSAN9). Also called: Spastic paraplegia 49, autosomal recessive; TECPR2-Related Hereditary Sensory and Autonomic Neuropathy with Intellectual Disability; NEUROPATHY, HEREDITARY SENSORY AND AUTONOMIC, TYPE IX, WITH DEVELOPMENTAL DELAY. Identifiers: Orphanet 320385, MedGen C5190860, MONDO:0014016, OMIM 615031.

Allele frequency attached by ClinVar (database versions not stated): TOPMed 0.00003; gnomAD 0.00004; ESP Exome Variant Server 0.00008.

Submissions (2):

Ambry Genetics
Classification: Uncertain significance for Inborn genetic diseases. Last evaluated: 2024-12-31. Review status: criteria provided, single submitter. Criteria: Ambry Variant Classification Scheme 2023. Collection method: clinical testing. Allele origin: germline.

Labcorp Genetics (formerly Invitae), Labcorp
Classification: Uncertain significance for Hereditary spastic paraplegia 49. Last evaluated: 2022-08-03. Review status: criteria provided, single submitter. Criteria: Invitae Variant Classification Sherloc (09022015). Collection method: clinical testing. Allele origin: germline.
Comment: This sequence change replaces glycine, which is neutral and non-polar, with arginine, which is basic and polar, at codon 421 of the TECPR2 protein (p.Gly421Arg). This variant is present in population databases (rs141146184, gnomAD 0.009%). This variant has not been reported in the literature in individuals affected with TECPR2-related conditions. ClinVar contains an entry for this variant (Variation ID: 1495691). Algorithms developed to predict the effect of missense changes on protein structure and function are either unavailable or do not agree on the potential impact of this missense change (SIFT: "Deleterious"; PolyPhen-2: "Benign"; Align-GVGD: "Class C0"). In summary, the available evidence is currently insufficient to determine the role of this variant in disease. Therefore, it has been classified as a Variant of Uncertain Significance.

NM_014844.5(TECPR2):c.1261G>A (p.Gly421Arg)

Gene: TECPR2 (tectonin beta-propeller repeat containing 2; plus strand). Cytogenetic location: 14q32.31.
Variant type: single nucleotide variant.
Coding change: c.1261G>A on transcript NM_014844.5 (MANE Select); coding-DNA position 1261, G replaced by A.
Protein change: p.Gly421Arg; replaces glycine 421 with arginine.
Molecular consequence: missense variant.
Genome position (GRCh38, 1-based): chr14:102,431,972, G>A. VCF-style: chr14-102431972-G-A. GRCh37 (hg19) VCF-style: chr14-102898309-G-A.
Other names: c.1261G>A (NM_014844.3); c.1261G>A, p.Gly421Arg (NM_001172631.3); short protein forms G421R.
Identifiers: ClinVar variation 1495691 (VCV001495691.4), dbSNP rs141146184, ClinGen allele CA7357680.